The following is an entry in ClinVar:

ClinVar aggregate classification (germline): Likely benign. Review status: criteria provided, multiple submitters, no conflicts (2 of 4 stars). 2 submissions from 2 submitters: Likely benign (2). Last evaluated 2018-06-16.

Allele frequency attached by ClinVar (database versions not stated): gnomAD exomes 0.00646; 1000 Genomes Project 0.01018; gnomAD 0.01092 and 0.01115; 1000 Genomes Project 30x 0.01156; TOPMed 0.01209.
gnomAD v4.1: 8,720 of 1,202,364 alleles (0.73%); highest among the groups gnomAD compares: Middle Eastern, 4.5%; 78 homozygotes.

Submissions (2):

GeneDx
Classification: Likely benign. Last evaluated: 2018-06-16. Review status: criteria provided, single submitter. Criteria: GeneDx Variant Classification (06012015). Collection method: clinical testing. Allele origin: germline. Affected: yes.
Comment: This variant is considered likely benign or benign based on one or more of the following criteria: it is a conservative change, it occurs at a poorly conserved position in the protein, it is predicted to be benign by multiple in silico algorithms, and/or has population frequency not consistent with disease.

Breakthrough Genomics
Classification: Likely benign. Review status: criteria provided, single submitter. Criteria: ACMG Guidelines, 2015. Collection method: not provided. Allele origin: germline. Inheritance: Autosomal recessive inheritance. Affected: yes.

NM_015272.5(RPGRIP1L):c.3616+77G>A

Gene: RPGRIP1L (RPGRIP1 like; minus strand). Cytogenetic location: 16q12.2.
Variant type: single nucleotide variant.
Coding change: c.3616+77G>A on transcript NM_015272.5 (MANE Select); 77 bases into the intron after coding-DNA position 3616, G replaced by A.
Molecular consequence: intron variant.
Genome position (GRCh38, 1-based): chr16:53,618,948, C>T on the plus strand (G>A on the coding strand, the complement: RPGRIP1L is on the minus strand). VCF-style: chr16-53618948-C-T. GRCh37 (hg19) VCF-style: chr16-53652860-C-T.
Other names: c.3376+77G>A (NM_001127897.4); c.3514+77G>A (NM_001330538.2); c.3478+77G>A (NM_001308334.3).
Identifiers: ClinVar variation 678940 (VCV000678940.2), dbSNP rs74018105, ClinGen allele CA281356789.
Genomic context (GRCh38, chr16:53,618,948, plus strand): 5'-TATTAATCAATTCTGACAAGACTTCCATGAATTTATGTGAATATTAGAGAAATAAACTTT[C>T]TCTCTGTTCTTTCCACTTCTTTCATAAATAAAAAAGACAAACATAAAAGTCTATATTACA-3'